The following is an entry in ClinVar:

ClinVar aggregate classification (germline): Conflicting classifications of pathogenicity. Review status: criteria provided, conflicting classifications (1 of 4 stars). 5 submissions from 4 submitters: Uncertain significance (3); Likely benign (2). Last evaluated 2026-01-19.

Conditions:
Maturity-onset diabetes of the young (MODY). Also called: Maturity onset diabetes mellitus in young. Identifiers: Orphanet 552, MedGen C0342276, MONDO:0018911, HP:0004904.
Hyperinsulinemic hypoglycemia, familial, 1 (HHF1). Also called: HYPERINSULINISM, FAMILIAL, WITH PANCREATIC NESIDIOBLASTOSIS; HYPOGLYCEMIA, HYPERINSULINEMIC, OF INFANCY; NESIDIOBLASTOSIS OF PANCREAS; Persistent hyperinsulinemic hypoglycemia of infancy; Persistent Hyperinsulinemia Hypoglycemia of Infancy. Identifiers: Orphanet 276575, Orphanet 276598, MedGen C2931832, MONDO:0009734, OMIM 256450.
Transitory neonatal diabetes mellitus. Also called: Transient neonatal diabetes mellitus. Identifiers: MedGen C0342273, MONDO:0020525, HP:0008255.

Allele frequency attached by ClinVar (database versions not stated): gnomAD exomes below 0.00001 and 0.00002; TOPMed 0.00001.
gnomAD v4.1: 8 of 1,614,186 alleles (0.0005%); highest among the groups gnomAD compares: East Asian, 0.013%; no homozygotes.

Submissions (5):

Labcorp Genetics (formerly Invitae), Labcorp
Classification: Likely benign. Last evaluated: 2026-01-19. Review status: criteria provided, single submitter. Criteria: Invitae Variant Classification Sherloc (09022015). Collection method: clinical testing. Allele origin: germline.

Women's Health and Genetics/Laboratory Corporation of America, LabCorp
Classification: Likely benign. Last evaluated: 2025-10-22. Review status: criteria provided, single submitter. Criteria: LabCorp Variant Classification Summary - May 2015. Collection method: clinical testing. Allele origin: germline.

New York Genome Center
Classification: Uncertain significance for Type 2 diabetes mellitus; Hyperinsulinemic hypoglycemia, familial, 1. Last evaluated: 2022-01-10. Review status: criteria provided, single submitter. Criteria: NYGC Assertion Criteria 2020. Collection method: clinical testing. Allele origin: germline. Observed: 1 heterozygote.

Clinical Genomics, Uppaluri K&H Personalized Medicine Clinic
Classification: Uncertain significance for Maturity-onset diabetes of the young. Review status: criteria provided, single submitter. Criteria: K & H Uppaluri Personalized Medicine Clinic Variant Classification & Assertion Criteria_Updated V.1. Collection method: research. Allele origin: somatic. Inheritance: Somatic mutation.
Comment: Mutations in ABCC8 gene are associated with both neonatal diabetes mellitus as well as MODY. Patients with this mutation may have a better response to sulfonylureas. However, no sufficient evidence is found to ascertain the role of this particular variant ( rs1476016104) in MODY yet.

Clinical Genomics, Uppaluri K&H Personalized Medicine Clinic
Classification: Uncertain significance for Transitory neonatal diabetes mellitus. Review status: criteria provided, single submitter. Criteria: K & H Uppaluri Personalized Medicine Clinic Variant Classification & Assertion Criteria_Updated V.1. Collection method: research. Allele origin: somatic. Inheritance: Somatic mutation.
Comment: Mutations in ABCC8 gene are associated with both neonatal diabetes mellitus as well as MODY. Patients with this mutation may have a better response to sulfonylureas. However, no sufficient evidence is found to ascertain the role of this particular variant ( rs1476016104) in neonatal diabetes yet.

Literature cited by the submitters: PubMed 16885549 (cited by Clinical Genomics, Uppaluri K&H Personalized Medicine Clinic); PubMed 21989597 (cited by Clinical Genomics, Uppaluri K&H Personalized Medicine Clinic); PubMed 27538677 (cited by Clinical Genomics, Uppaluri K&H Personalized Medicine Clinic); PubMed 18981553 (cited by Clinical Genomics, Uppaluri K&H Personalized Medicine Clinic); PubMed 32027066 (cited by Clinical Genomics, Uppaluri K&H Personalized Medicine Clinic); PubMed 16613899 (cited by Clinical Genomics, Uppaluri K&H Personalized Medicine Clinic); PubMed 18025408 (cited by Clinical Genomics, Uppaluri K&H Personalized Medicine Clinic); PubMed 32792356 (cited by Clinical Genomics, Uppaluri K&H Personalized Medicine Clinic).

NM_000352.6(ABCC8):c.4412-4T>G

Gene: ABCC8 (ATP binding cassette subfamily C member 8; minus strand). Cytogenetic location: 11p15.1.
Variant type: single nucleotide variant.
Coding change: c.4412-4T>G on transcript NM_000352.6 (MANE Select); 4 bases into the intron before coding-DNA position 4412, T replaced by G.
Molecular consequence: intron variant.
Genome position (GRCh38, 1-based): chr11:17,394,403, A>C on the plus strand (T>G on the coding strand, the complement: ABCC8 is on the minus strand). VCF-style: chr11-17394403-A-C. GRCh37 (hg19) VCF-style: chr11-17415950-A-C.
Other names: c.4409-4T>G (NM_001351297.2); c.4412-4T>G (NM_001351296.2); c.4478-4T>G (NM_001351295.2); c.4415-4T>G (NM_001287174.3).
Identifiers: ClinVar variation 763399 (VCV000763399.14), dbSNP rs1476016104, ClinGen allele CA597664782.